The following is an entry in ClinVar:

ClinVar aggregate classification (germline): Conflicting classifications of pathogenicity. Review status: criteria provided, conflicting classifications (1 of 4 stars). 4 submissions from 4 submitters: Uncertain significance (1); Benign (1); Likely benign (1). 1 of the submissions does not count toward it. Last evaluated 2025-12-15.

Conditions:
RAI1-related disorder. Also called: RAI1-related condition.
Inborn genetic diseases. Identifiers: MedGen C0950123, MeSH D030342.

Allele frequency attached by ClinVar (database versions not stated): TOPMed below 0.00001; gnomAD exomes 0.00004 and 0.00007; ExAC 0.00008.
gnomAD v4.1: 52 of 1,613,642 alleles (0.0032%); highest among the groups gnomAD compares: South Asian, 0.054%; no homozygotes.

Submissions (4):

Labcorp Genetics (formerly Invitae), Labcorp
Classification: Benign. Last evaluated: 2025-12-15. Review status: criteria provided, single submitter. Criteria: Invitae Variant Classification Sherloc (09022015). Collection method: clinical testing. Allele origin: germline.

CeGaT Center for Human Genetics Tuebingen
Classification: Likely benign. Last evaluated: 2024-12-01. Review status: criteria provided, single submitter. Criteria: CeGaT Center For Human Genetics Tuebingen Variant Classification Criteria Version 2. Collection method: clinical testing. Allele origin: germline. Affected: yes. Observed: 1 variant allele.
Comment: RAI1: BS1

Ambry Genetics
Classification: Uncertain significance for Inborn genetic diseases. Last evaluated: 2016-06-24. Review status: criteria provided, single submitter. Criteria: Ambry Variant Classification Scheme 2023. Collection method: clinical testing. Allele origin: germline.
Comment: The p.Y1579H variant (also known as c.4735T>C), located in coding exon 1 of the RAI1 gene, results from a T to C substitution at nucleotide position 4735. The tyrosine at codon 1579 is replaced by histidine, an amino acid with similar properties. This variant was not reported in population based cohorts in the following databases: Database of Single Nucleotide Polymorphisms (dbSNP), NHLBI Exome Sequencing Project (ESP), and 1000 Genomes Project. In the ESP, this variant was not observed in 6503 samples (13006 alleles) with coverage at this position. This amino acid position is highly conserved in available vertebrate species. In addition, the in silico prediction for this alteration is inconclusive. Since supporting evidence is limited at this time, the clinical significance of this alteration remains unclear.

PreventionGenetics, part of Exact Sciences
Classification: Likely benign for RAI1-related condition. Last evaluated: 2023-10-03. Review status: no assertion criteria provided. Collection method: clinical testing. Allele origin: germline. Not counted in ClinVar's aggregate classification.
Comment: This variant is classified as likely benign based on ACMG/AMP sequence variant interpretation guidelines (Richards et al. 2015 PMID: 25741868, with internal and published modifications).

NM_030665.4(RAI1):c.4735T>C (p.Tyr1579His)

Gene: RAI1 (retinoic acid induced 1; plus strand). Cytogenetic location: 17p11.2.
Variant type: single nucleotide variant.
Coding change: c.4735T>C on transcript NM_030665.4 (MANE Select); coding-DNA position 4735, T replaced by C.
Protein change: p.Tyr1579His; replaces tyrosine 1579 with histidine.
Molecular consequence: missense variant.
Genome position (GRCh38, 1-based): chr17:17,797,683, T>C. VCF-style: chr17-17797683-T-C. GRCh37 (hg19) VCF-style: chr17-17700997-T-C.
Other names: short protein forms Y1579H.
Identifiers: ClinVar variation 587974 (VCV000587974.26), dbSNP rs762221377, ClinGen allele CA8419019.
Genomic context (GRCh38, chr17:17,797,683, plus strand): 5'-CGACGACGACAGCAGCAGGTGCTGCCCCTGGATCCCGCAGAGCCTGAAATCCGCCTCAAG[T>C]ACATTTCCTCTTGCAAGCGGCTGAGGTCAGACAGCCGGACCCCCGCCTTCTCACCCTTCG-3'
Protein context (NP_109590.3, residues 1569-1589): DPAEPEIRLK[Tyr1579His]ISSCKRLRSD